The following is an entry in ClinVar:

ClinVar aggregate classification (germline): Likely benign (1 of 4 stars; one submission).

Conditions:
Arrhythmogenic right ventricular dysplasia 10. Also called: Arrhythmogenic Right Ventricular Dysplasia/Cardiomyopathy10; ARRHYTHMOGENIC RIGHT VENTRICULAR DYSPLASIA, FAMILIAL, 10; Arrhythmogenic right ventricular dysplasia/cardiomyopathy, type 10. Identifiers: MedGen C1857777, MONDO:0012434, OMIM 610193.

Allele frequency attached by ClinVar (database versions not stated): gnomAD exomes 0.00028; 1000 Genomes Project 30x 0.00187; 1000 Genomes Project 0.00200; gnomAD 0.00214 and 0.00229; TOPMed 0.00233.

Submission:

Illumina Laboratory Services, Illumina
Classification: Likely benign for Arrhythmogenic right ventricular dysplasia 10. Last evaluated: 2018-01-12. Review status: criteria provided, single submitter. Criteria: ICSL Variant Classification Criteria 13 December 2019. Collection method: clinical testing. Allele origin: germline.
Comment: This variant was observed in the ICSL laboratory as part of a predisposition screen in an ostensibly healthy population. It had not been previously curated by ICSL or reported in the Human Gene Mutation Database (HGMD: prior to June 1st, 2018), and was therefore a candidate for classification through an automated scoring system. Utilizing variant allele frequency, disease prevalence and penetrance estimates, and inheritance mode, an automated score was calculated to assess if this variant is too frequent to cause the disease. Based on the score and internal cut-off values, a variant classified as likely benign is not then subjected to further curation. The score for this variant resulted in a classification of likely benign for this disease.

NM_001943.5(DSG2):c.*504A>G

Genes: DSG2 (desmoglein 2; plus strand), DSG2-AS1 (DSG2 antisense RNA 1; minus strand). Cytogenetic location: 18q12.1.
Variant type: single nucleotide variant.
Coding change: c.*504A>G on transcript NM_001943.5 (MANE Select); 504 bases downstream of the stop codon, A replaced by G.
Molecular consequence: 3 prime UTR variant.
Genome position (GRCh38, 1-based): chr18:31,547,247, A>G. VCF-style: chr18-31547247-A-G. GRCh37 (hg19) VCF-style: chr18-29127210-A-G.
Identifiers: ClinVar variation 890819 (VCV000890819.4), dbSNP rs139121154, ClinGen allele CA297703049.